The following is an entry in ClinVar:

NM_001939.3(DRP2):c.617C>T (p.Thr206Met)

Gene: DRP2 (dystrophin related protein 2; plus strand). Cytogenetic location: Xq22.1.
Variant type: single nucleotide variant.
Coding change: c.617C>T on transcript NM_001939.3 (MANE Select); coding-DNA position 617, C replaced by T.
Protein change: p.Thr206Met; replaces threonine 206 with methionine.
Molecular consequence: missense variant.
Genome position (GRCh38, 1-based): chrX:101,241,725, C>T. VCF-style: chrX-101241725-C-T. GRCh37 (hg19) VCF-style: chrX-100496714-C-T.
Other names: c.383C>T, p.Thr128Met (NM_001171184.2); c.617C>T (NM_001939.2); short protein forms T206M, T128M.
Identifiers: ClinVar variation 1934526 (VCV001934526.6), dbSNP rs765689698, ClinGen allele CA10472113.

ClinVar aggregate classification (germline): Uncertain significance. Review status: criteria provided, multiple submitters, no conflicts (2 of 4 stars). 2 submissions from 2 submitters: Uncertain significance (2). Last evaluated 2025-03-06.

Allele frequency attached by ClinVar (database versions not stated): ExAC 0.00001; gnomAD 0.00001; gnomAD exomes 0.00002.
gnomAD v4.1: 18 of 1,209,912 alleles (0.0015%); highest among the groups gnomAD compares: East Asian, 0.0059%; no homozygotes.

Submissions (2):

Ambry Genetics
Classification: Uncertain significance. Last evaluated: 2025-03-06. Review status: criteria provided, single submitter. Criteria: Ambry Variant Classification Scheme 2023. Collection method: clinical testing. Allele origin: germline.

Labcorp Genetics (formerly Invitae), Labcorp
Classification: Uncertain significance. Last evaluated: 2024-02-04. Review status: criteria provided, single submitter. Criteria: Invitae Variant Classification Sherloc (09022015). Collection method: clinical testing. Allele origin: germline.
Comment: This sequence change replaces threonine, which is neutral and polar, with methionine, which is neutral and non-polar, at codon 206 of the DRP2 protein (p.Thr206Met). This variant is present in population databases (rs765689698, gnomAD 0.008%). This variant has not been reported in the literature in individuals affected with DRP2-related conditions. ClinVar contains an entry for this variant (Variation ID: 1934526). Advanced modeling of protein sequence and biophysical properties (such as structural, functional, and spatial information, amino acid conservation, physicochemical variation, residue mobility, and thermodynamic stability) performed at Invitae indicates that this missense variant is not expected to disrupt DRP2 protein function with a negative predictive value of 80%. In summary, the available evidence is currently insufficient to determine the role of this variant in disease. Therefore, it has been classified as a Variant of Uncertain Significance.